The following is an entry in ClinVar:

NM_001378964.1(CDON):c.2420G>A (p.Ser807Asn)

Gene: CDON (cell adhesion associated, oncogene regulated; minus strand). Cytogenetic location: 11q24.2.
Variant type: single nucleotide variant.
Coding change: c.2420G>A on transcript NM_001378964.1 (MANE Select); coding-DNA position 2420, G replaced by A.
Protein change: p.Ser807Asn; replaces serine 807 with asparagine.
Molecular consequence: missense variant.
Genome position (GRCh38, 1-based): chr11:125,994,995, C>T on the plus strand (G>A on the coding strand, the complement: CDON is on the minus strand). VCF-style: chr11-125994995-C-T. GRCh37 (hg19) VCF-style: chr11-125864890-C-T.
Other names: c.2420G>A, p.Ser807Asn (NM_001243597.3, NM_016952.6); short protein forms S807N.
Identifiers: ClinVar variation 2903863 (VCV002903863.4), dbSNP rs772400268, ClinGen allele CA6351728.

ClinVar aggregate classification (germline): Uncertain significance. Review status: criteria provided, multiple submitters, no conflicts (2 of 4 stars). 2 submissions from 2 submitters: Uncertain significance (2). Last evaluated 2025-06-16.

Conditions:
Inborn genetic diseases. Identifiers: MedGen C0950123, MeSH D030342.
Holoprosencephaly 11 (HPE11). Identifiers: Orphanet 2162, MedGen C3280215, MONDO:0013642, OMIM 614226.

Allele frequency attached by ClinVar (database versions not stated): ExAC 0.00001; gnomAD 0.00001; TOPMed 0.00002; gnomAD exomes 0.00007.

Submissions (2):

Ambry Genetics
Classification: Uncertain significance for Inborn genetic diseases. Last evaluated: 2025-06-16. Review status: criteria provided, single submitter. Criteria: Ambry Variant Classification Scheme 2023. Collection method: clinical testing. Allele origin: germline.

Labcorp Genetics (formerly Invitae), Labcorp
Classification: Uncertain significance for Holoprosencephaly 11. Last evaluated: 2024-04-22. Review status: criteria provided, single submitter. Criteria: Invitae Variant Classification Sherloc (09022015). Collection method: clinical testing. Allele origin: germline.
Comment: This sequence change replaces serine, which is neutral and polar, with asparagine, which is neutral and polar, at codon 807 of the CDON protein (p.Ser807Asn). This variant is present in population databases (rs772400268, gnomAD 0.004%). This variant has not been reported in the literature in individuals affected with CDON-related conditions. Advanced modeling of protein sequence and biophysical properties (such as structural, functional, and spatial information, amino acid conservation, physicochemical variation, residue mobility, and thermodynamic stability) performed at Invitae indicates that this missense variant is not expected to disrupt CDON protein function with a negative predictive value of 80%. In summary, the available evidence is currently insufficient to determine the role of this variant in disease. Therefore, it has been classified as a Variant of Uncertain Significance.